The following is an entry in ClinVar:

NM_005477.3(HCN4):c.2235T>G (p.Ile745Met)

Gene: HCN4 (hyperpolarization activated cyclic nucleotide gated potassium channel 4; minus strand). Cytogenetic location: 15q24.1.
Variant type: single nucleotide variant.
Coding change: c.2235T>G on transcript NM_005477.3 (MANE Select); coding-DNA position 2235, T replaced by G.
Protein change: p.Ile745Met; replaces isoleucine 745 with methionine.
Molecular consequence: missense variant.
Genome position (GRCh38, 1-based): chr15:73,323,858, A>C on the plus strand (T>G on the coding strand, the complement: HCN4 is on the minus strand). VCF-style: chr15-73323858-A-C. GRCh37 (hg19) VCF-style: chr15-73616199-A-C.
Other names: short protein forms I745M.
Identifiers: ClinVar variation 951238 (VCV000951238.9), dbSNP rs1438842471, ClinGen allele CA393089312.

ClinVar aggregate classification (germline): Uncertain significance (1 of 4 stars; one submission).

Conditions:
Brugada syndrome 8 (BRGDA8). Identifiers: Orphanet 130, MedGen C2751083, MONDO:0013148, OMIM 613123.

Allele frequency attached by ClinVar (database versions not stated): TOPMed 0.00001; gnomAD 0.00002.
gnomAD v4.1: 3 of 1,604,630 alleles (0.00019%); highest among the groups gnomAD compares: African/African-American, 0.004%; no homozygotes.

Submission:

Labcorp Genetics (formerly Invitae), Labcorp
Classification: Uncertain significance for Brugada syndrome 8. Last evaluated: 2023-03-19. Review status: criteria provided, single submitter. Criteria: Invitae Variant Classification Sherloc (09022015). Collection method: clinical testing. Allele origin: germline.
Comment: This variant has not been reported in the literature in individuals affected with HCN4-related conditions. This variant is not present in population databases (gnomAD no frequency). This sequence change replaces isoleucine, which is neutral and non-polar, with methionine, which is neutral and non-polar, at codon 745 of the HCN4 protein (p.Ile745Met). ClinVar contains an entry for this variant (Variation ID: 951238). Advanced modeling of protein sequence and biophysical properties (such as structural, functional, and spatial information, amino acid conservation, physicochemical variation, residue mobility, and thermodynamic stability) performed at Invitae indicates that this missense variant is not expected to disrupt HCN4 protein function. In summary, the available evidence is currently insufficient to determine the role of this variant in disease. Therefore, it has been classified as a Variant of Uncertain Significance.